The following is an entry in ClinVar:

ClinVar aggregate classification (germline): Uncertain significance. Review status: criteria provided, multiple submitters, no conflicts (2 of 4 stars). 2 submissions from 2 submitters: Uncertain significance (2). Last evaluated 2023-12-19.

Allele frequency attached by ClinVar (database versions not stated): gnomAD 0.00001; gnomAD exomes 0.00002 and 0.00008; TOPMed 0.00004; ExAC 0.00006; ESP Exome Variant Server 0.00015.
gnomAD v4.1: 37 of 1,613,862 alleles (0.0023%); highest among the groups gnomAD compares: Admixed American, 0.035%; no homozygotes.

Submissions (2):

Blueprint Genetics
Classification: Uncertain significance. Last evaluated: 2023-12-19. Review status: criteria provided, single submitter. Criteria: ACMG Guidelines, 2015. Collection method: clinical testing. Allele origin: germline.

Labcorp Genetics (formerly Invitae), Labcorp
Classification: Uncertain significance. Last evaluated: 2022-11-22. Review status: criteria provided, single submitter. Criteria: Invitae Variant Classification Sherloc (09022015). Collection method: clinical testing. Allele origin: germline.
Comment: This variant has not been reported in the literature in individuals affected with CEP250-related conditions. In summary, the available evidence is currently insufficient to determine the role of this variant in disease. Therefore, it has been classified as a Variant of Uncertain Significance. Algorithms developed to predict the effect of missense changes on protein structure and function output the following: SIFT: "Not Available"; PolyPhen-2: "Benign"; Align-GVGD: "Not Available". The threonine amino acid residue is found in multiple mammalian species, which suggests that this missense change does not adversely affect protein function. ClinVar contains an entry for this variant (Variation ID: 1014869). This variant is present in population databases (rs143763293, gnomAD 0.05%). This sequence change replaces alanine, which is neutral and non-polar, with threonine, which is neutral and polar, at codon 756 of the CEP250 protein (p.Ala756Thr).

NM_007186.6(CEP250):c.2266G>A (p.Ala756Thr)

Genes: CEP250 (centrosomal protein 250; plus strand), CEP250-AS1 (CEP250 antisense RNA 1; minus strand). Cytogenetic location: 20q11.22.
Variant type: single nucleotide variant.
Coding change: c.2266G>A on transcript NM_007186.6 (MANE Select); coding-DNA position 2266, G replaced by A.
Protein change: p.Ala756Thr; replaces alanine 756 with threonine.
Molecular consequence: missense variant.
Genome position (GRCh38, 1-based): chr20:35,479,402, G>A. VCF-style: chr20-35479402-G-A. GRCh37 (hg19) VCF-style: chr20-34067227-G-A.
Other names: c.370G>A, p.Ala124Thr (NM_001318219.1); short protein forms A124T, A756T.
Identifiers: ClinVar variation 1014869 (VCV001014869.8), dbSNP rs143763293, ClinGen allele CA9833142.